The following is an entry in ClinVar:

ClinVar aggregate classification (germline): Uncertain significance. Review status: criteria provided, multiple submitters, no conflicts (2 of 4 stars). 2 submissions from 2 submitters: Uncertain significance (2). Last evaluated 2026-09-14.

Conditions:
Hereditary breast ovarian cancer syndrome. Also called: Hereditary breast and ovarian cancer; Hereditary breast and/or ovarian cancer syndrome; Breast and ovarian cancer; Hereditary breast and ovarian cancer syndrome; Hereditary breast and ovarian cancer syndrome (HBOC); BRCA1- and BRCA2-Associated Hereditary Breast and Ovarian Cancer. Identifiers: Orphanet 145, MedGen C0677776, MeSH D061325, MONDO:0003582. Disease mechanism: loss of function.
Hereditary cancer-predisposing syndrome. Also called: Hereditary Cancer Syndrome; Tumor predisposition; Neoplastic Syndromes, Hereditary; Hereditary neoplastic syndrome. Identifiers: Orphanet 140162, MedGen C0027672, MeSH D009386, MONDO:0015356.

Submissions (2):

Ambry Genetics
Classification: Uncertain significance for Hereditary cancer-predisposing syndrome. Last evaluated: 2026-09-14. Review status: criteria provided, single submitter. Criteria: Ambry Variant Classification Scheme 2023. Collection method: clinical testing. Allele origin: germline.
Comment: The p.P3282R variant (also known as c.9845C>G), located in coding exon 26 of the BRCA2 gene, results from a C to G substitution at nucleotide position 9845. The proline at codon 3282 is replaced by arginine, an amino acid with dissimilar properties. This amino acid position is well conserved in available vertebrate species. In addition, this alteration is predicted to be tolerated by in silico analysis. Based on the available evidence, the clinical significance of this variant remains unclear.

Labcorp Genetics (formerly Invitae), Labcorp
Classification: Uncertain significance for Hereditary breast ovarian cancer syndrome. Last evaluated: 2025-11-12. Review status: criteria provided, single submitter. Criteria: Invitae Variant Classification Sherloc (09022015). Collection method: clinical testing. Allele origin: germline.
Comment: This sequence change replaces proline, which is neutral and non-polar, with arginine, which is basic and polar, at codon 3282 of the BRCA2 protein (p.Pro3282Arg). This variant is not present in population databases (gnomAD no frequency). This variant has not been reported in the literature in individuals affected with BRCA2-related conditions. ClinVar contains an entry for this variant (Variation ID: 1503140). Invitae Evidence Modeling of protein sequence and biophysical properties (such as structural, functional, and spatial information, amino acid conservation, physicochemical variation, residue mobility, and thermodynamic stability) indicates that this missense variant is not expected to disrupt BRCA2 protein function with a negative predictive value of 95%. In summary, the available evidence is currently insufficient to determine the role of this variant in disease. Therefore, it has been classified as a Variant of Uncertain Significance.

NM_000059.4(BRCA2):c.9845C>G (p.Pro3282Arg)

Gene: BRCA2 (BRCA2 DNA repair associated; plus strand). Cytogenetic location: 13q13.1.
Variant type: single nucleotide variant.
Coding change: c.9845C>G on transcript NM_000059.4 (MANE Select); coding-DNA position 9845, C replaced by G.
Protein change: p.Pro3282Arg; replaces proline 3282 with arginine.
Molecular consequence: missense variant.
Genome position (GRCh38, 1-based): chr13:32,398,358, C>G. VCF-style: chr13-32398358-C-G. GRCh37 (hg19) VCF-style: chr13-32972495-C-G.
Other names: c.9845C>G (NM_000059.3); short protein forms P3282R.
Identifiers: ClinVar variation 1503140 (VCV001503140.7), dbSNP rs2137664349, ClinGen allele CA387766442.